The following is an entry in ClinVar:

ClinVar aggregate classification (germline): Likely benign. Review status: criteria provided, single submitter (1 of 4 stars). 2 submissions from 2 submitters: Likely benign (1). 1 of the submissions does not count toward it. Last evaluated 2024-08-23.

Conditions:
GAS2L2-related disorder. Also called: GAS2L2-related condition.

Allele frequency attached by ClinVar (database versions not stated): gnomAD 0.00009; ExAC 0.00011; ESP Exome Variant Server 0.00015; TOPMed 0.00015; gnomAD exomes 0.00027.
gnomAD v4.1: 387 of 1,594,830 alleles (0.024%); highest among the groups gnomAD compares: Non-Finnish European, 0.031%; no homozygotes.

Submissions (2):

Blueprint Genetics
Classification: Likely benign. Last evaluated: 2024-08-23. Review status: criteria provided, single submitter. Criteria: ACMG Guidelines, 2015. Collection method: clinical testing. Allele origin: germline.

PreventionGenetics, part of Exact Sciences
Classification: Likely benign for GAS2L2-related condition. Last evaluated: 2023-03-14. Review status: no assertion criteria provided. Collection method: clinical testing. Allele origin: germline. Not counted in ClinVar's aggregate classification.
Comment: This variant is classified as likely benign based on ACMG/AMP sequence variant interpretation guidelines (Richards et al. 2015 PMID: 25741868, with internal and published modifications).

NM_139285.4(GAS2L2):c.1512C>T (p.Pro504=)

Gene: GAS2L2 (growth arrest specific 2 like 2; minus strand). Cytogenetic location: 17q12.
Variant type: single nucleotide variant.
Coding change: c.1512C>T on transcript NM_139285.4 (MANE Select); coding-DNA position 1512, C replaced by T.
Protein change: p.Pro504=; no amino-acid change (proline 504 retained).
Molecular consequence: synonymous variant.
Genome position (GRCh38, 1-based): chr17:35,745,985, G>A on the plus strand (C>T on the coding strand, the complement: GAS2L2 is on the minus strand). VCF-style: chr17-35745985-G-A. GRCh37 (hg19) VCF-style: chr17-34073004-G-A.
Identifiers: ClinVar variation 3036872 (VCV003036872.3), dbSNP rs140776164, ClinGen allele CA8506050.